The following is an entry in ClinVar:

NM_021927.3(GUF1):c.885C>A (p.Tyr295Ter)

Gene: GUF1 (GTP binding elongation factor GUF1; plus strand). Cytogenetic location: 4p12.
Variant type: single nucleotide variant.
Coding change: c.885C>A on transcript NM_021927.3 (MANE Select); coding-DNA position 885, C replaced by A.
Protein change: p.Tyr295Ter; replaces tyrosine 295 with a stop codon.
Molecular consequence: nonsense. On other transcripts: 5 prime UTR variant (2).
Genome position (GRCh38, 1-based): chr4:44,686,660, C>A. VCF-style: chr4-44686660-C-A. GRCh37 (hg19) VCF-style: chr4-44688677-C-A.
Other names: c.-88C>A (NM_001345867.2, NM_001345869.2); c.885C>A, p.Tyr295Ter (NM_001345868.2); short protein forms Y295*.
Identifiers: ClinVar variation 2063296 (VCV002063296.4), dbSNP rs528401182, ClinGen allele CA356762548.

ClinVar aggregate classification (germline): Uncertain significance (1 of 4 stars; one submission).

gnomAD v4.1: 1 of 1,611,460 alleles (0.000062%); highest among the groups gnomAD compares: African/African-American, 0.0013%; no homozygotes.

Submission:

Labcorp Genetics (formerly Invitae), Labcorp
Classification: Uncertain significance. Last evaluated: 2023-07-07. Review status: criteria provided, single submitter. Criteria: Invitae Variant Classification Sherloc (09022015). Collection method: clinical testing. Allele origin: germline.
Comment: ClinVar contains an entry for this variant (Variation ID: 2063296). This variant has not been reported in the literature in individuals affected with GUF1-related conditions. This variant is not present in population databases (gnomAD no frequency). This sequence change creates a premature translational stop signal (p.Tyr295*) in the GUF1 gene. It is expected to result in an absent or disrupted protein product. However, the current clinical and genetic evidence is not sufficient to establish whether loss-of-function variants in GUF1 cause disease. In summary, the available evidence is currently insufficient to determine the role of this variant in disease. Therefore, it has been classified as a Variant of Uncertain Significance.